The following is an entry in ClinVar:

NM_006031.6(PCNT):c.2179C>T (p.His727Tyr)

Gene: PCNT (pericentrin; plus strand). Cytogenetic location: 21q22.3.
Variant type: single nucleotide variant.
Coding change: c.2179C>T on transcript NM_006031.6 (MANE Select); coding-DNA position 2179, C replaced by T.
Protein change: p.His727Tyr; replaces histidine 727 with tyrosine.
Molecular consequence: missense variant.
Genome position (GRCh38, 1-based): chr21:46,363,504, C>T. VCF-style: chr21-46363504-C-T. GRCh37 (hg19) VCF-style: chr21-47783419-C-T.
Other names: c.1825C>T, p.His609Tyr (NM_001315529.2); short protein forms H609Y, H727Y.
Identifiers: ClinVar variation 3353152 (VCV003353152.1).
Genomic context (GRCh38, chr21:46,363,504, plus strand): 5'-CGTCTTTCCTCCTAAATGAAATTATGTTGTCTGTAGGTAAAACACAATCTAATTGAAGAC[C>T]ACCAGAAGGAACTAAATAATGCTAAGCAAAAGACTGAGCTGATGAAACAGGAATTCCAAA-3'
Protein context (NP_006022.3, residues 717-737): EKVKHNLIED[His727Tyr]QKELNNAKQK

ClinVar aggregate classification (germline): Uncertain significance (0 of 4 stars; one submission).

Conditions:
PCNT-related disorder. Also called: PCNT-related condition.

gnomAD v4.1: 3 of 1,613,276 alleles (0.00019%); no homozygotes.

Submission:

PreventionGenetics, part of Exact Sciences
Classification: Uncertain significance for PCNT-related condition. Last evaluated: 2024-07-05. Review status: no assertion criteria provided. Collection method: clinical testing. Allele origin: germline.
Comment: The PCNT c.2179C>T variant is predicted to result in the amino acid substitution p.His727Tyr. To our knowledge, this variant has not been reported in the literature or in a large population database, indicating this variant is rare. At this time, the clinical significance of this variant is uncertain due to the absence of conclusive functional and genetic evidence.